The following is an entry in ClinVar:

NM_002796.3(PSMB4):c.662_665dup (p.Tyr223fs)

Gene: PSMB4 (proteasome 20S subunit beta 4; plus strand). Cytogenetic location: 1q21.3.
Variant type: Duplication.
Coding change: c.662_665dup on transcript NM_002796.3 (MANE Select); coding-DNA positions 662 to 665, 4 bases duplicated (TGTA; older notation c.662_665dupTGTA).
Protein change: p.Tyr223fs; shifts the reading frame from tyrosine 223.
Molecular consequence: frameshift variant.
Genome position (GRCh38, 1-based): chr1:151,401,324-151,401,327, TGTA duplicated. VCF-style (leftmost placement, unchanged base first): chr1-151401323-C-CTGTA. GRCh37 (hg19) VCF-style: chr1-151373799-C-CTGTA.
Other names: short protein forms Y223fs.
Identifiers: ClinVar variation 2032293 (VCV002032293.4), dbSNP rs2529160602, ClinGen allele CA2580061023.

ClinVar aggregate classification (germline): Uncertain significance (1 of 4 stars; one submission).

Submission:

Labcorp Genetics (formerly Invitae), Labcorp
Classification: Uncertain significance. Last evaluated: 2022-09-23. Review status: criteria provided, single submitter. Criteria: Invitae Variant Classification Sherloc (09022015). Collection method: clinical testing. Allele origin: germline.
Comment: This variant is not present in population databases (gnomAD no frequency). This sequence change creates a premature translational stop signal (p.Tyr223Valfs*22) in the PSMB4 gene. It is expected to result in an absent or disrupted protein product. However, the current clinical and genetic evidence is not sufficient to establish whether loss-of-function variants in PSMB4 cause disease. This variant has not been reported in the literature in individuals affected with PSMB4-related conditions. In summary, the available evidence is currently insufficient to determine the role of this variant in disease. Therefore, it has been classified as a Variant of Uncertain Significance. Algorithms developed to predict the effect of sequence changes on RNA splicing suggest that this variant may disrupt the consensus splice site.